The following is an entry in ClinVar:

NM_000136.3(FANCC):c.346-1G>A

Gene: FANCC (FA complementation group C; minus strand). Cytogenetic location: 9q22.32.
Variant type: single nucleotide variant.
Coding change: c.346-1G>A on transcript NM_000136.3 (MANE Select); the canonical splice acceptor site of the intron before coding-DNA position 346, G replaced by A.
Molecular consequence: splice acceptor variant.
Genome position (GRCh38, 1-based): chr9:95,172,148, C>T on the plus strand (G>A on the coding strand, the complement: FANCC is on the minus strand). VCF-style: chr9-95172148-C-T. GRCh37 (hg19) VCF-style: chr9-97934430-C-T.
Other names: c.346-1G>A (NM_001243743.2, NM_001243744.2).
Identifiers: ClinVar variation 522633 (VCV000522633.26), dbSNP rs1484503633, ClinGen allele CA374338924.

ClinVar aggregate classification (germline): Pathogenic/Likely pathogenic. Review status: criteria provided, multiple submitters, no conflicts (2 of 4 stars). 9 submissions from 9 submitters: Pathogenic (2); Likely pathogenic (5). 2 of the submissions do not count toward it. Last evaluated 2024-11-18.

Conditions:
FANCC-related disorder. Also called: FANCC-related condition.
Hereditary cancer-predisposing syndrome. Also called: Neoplastic Syndromes, Hereditary; Hereditary neoplastic syndrome; Tumor predisposition; Hereditary Cancer Syndrome. Identifiers: Orphanet 140162, MedGen C0027672, MeSH D009386, MONDO:0015356.
Fanconi anemia complementation group C (FANCC). Also called: FANCC-Related Fanconi Anemia; FANCONI PANCYTOPENIA, TYPE 3; FACC; Fanconi anemia, group C. Identifiers: Orphanet 84, MedGen C3468041, MONDO:0009213, OMIM 227645.
Fanconi anemia (FA). Also called: Fanconi's anemia. Identifiers: Orphanet 84, MedGen C0015625, MeSH D005199, MONDO:0019391.

Allele frequency attached by ClinVar (database versions not stated): gnomAD exomes below 0.00001.
gnomAD v4.1: 3 of 1,587,408 alleles (0.00019%); highest among the groups gnomAD compares: Non-Finnish European, 0.00026%; no homozygotes.

Submissions (9):

Ambry Genetics
Classification: Likely pathogenic for Hereditary cancer-predisposing syndrome. Last evaluated: 2024-11-18. Review status: criteria provided, single submitter. Criteria: Ambry Variant Classification Scheme 2023. Collection method: clinical testing. Allele origin: germline.
Comment: The c.346-1G>A intronic variant results from a G to A substitution one nucleotide before coding exon 4 of the FANCC gene. This alteration has been reported in the germline of an individual with salivary carcinoma from a cohort of patients with advanced cancer diagnoses who underwent tumor-normal sequencing (Schrader KA et al. JAMA Oncol, 2016 Jan;2:104-11). This alteration has also been reported in an individual diagnosed with early-onset breast cancer (Fostira F et al. J. Med. Genet., 2020 01;57:53-61). This nucleotide position is highly conserved in available vertebrate species. In silico splice site analysis predicts that the strength of the native acceptor splice site is maintained, but shifted upstream one nucleotide resulting in a translational frameshift with a predicted alternate stop codon; however, direct evidence is unavailable. In addition to the clinical data presented in the literature, alterations that disrupt the canonical splice site are expected to cause aberrant splicing, resulting in an abnormal protein or a transcript that is subject to nonsense-mediated mRNA decay. As such, this alteration is classified as likely pathogenic.

Fulgent Genetics
Classification: Pathogenic for Fanconi anemia complementation group C. Last evaluated: 2024-04-24. Review status: criteria provided, single submitter. Criteria: ACMG Guidelines, 2015. Collection method: clinical testing. Allele origin: germline.

Baylor Genetics
Classification: Likely pathogenic for Fanconi anemia complementation group C. Last evaluated: 2023-12-30. Review status: criteria provided, single submitter. Criteria: ACMG Guidelines, 2015. Collection method: clinical testing. Allele origin: unknown.

Labcorp Genetics (formerly Invitae), Labcorp
Classification: Likely pathogenic for Fanconi anemia. Last evaluated: 2023-11-14. Review status: criteria provided, single submitter. Criteria: Invitae Variant Classification Sherloc (09022015). Collection method: clinical testing. Allele origin: germline.
Comment: This sequence change affects an acceptor splice site in intron 4 of the FANCC gene. It is expected to disrupt RNA splicing. Variants that disrupt the donor or acceptor splice site typically lead to a loss of protein function (PMID: 16199547), and loss-of-function variants in FANCC are known to be pathogenic (PMID: 17924555). This variant is not present in population databases (gnomAD no frequency). Disruption of this splice site has been observed in individual(s) with breast cancer (PMID: 31300551). ClinVar contains an entry for this variant (Variation ID: 522633). Algorithms developed to predict the effect of sequence changes on RNA splicing suggest that this variant may disrupt the consensus splice site. In summary, the currently available evidence indicates that the variant is pathogenic, but additional data are needed to prove that conclusively. Therefore, this variant has been classified as Likely Pathogenic.

PreventionGenetics, part of Exact Sciences
Classification: Likely pathogenic for FANCC-related condition. Last evaluated: 2023-04-28. Review status: criteria provided, single submitter. Criteria: ACMG Guidelines, 2015. Collection method: clinical testing. Allele origin: germline.
Comment: The FANCC c.346-1G>A variant is predicted to disrupt the AG splice acceptor site and interfere with normal splicing. This variant was reported in an individual with triple-negative breast cancer (Patient F2516 in Supplementary Table 3, Fostira et al. 2020. PubMed ID: 31300551) and in a patient with salivary carcinoma (Patient ID: EO4X in Supplemental Table 7, Schrader et al 2016. PubMed ID: 26556299). This variant has not been reported in a large population database, indicating this variant is rare. Variants that disrupt the consensus splice acceptor site in FANCC are expected to be pathogenic. This variant is interpreted as likely pathogenic.

GeneDx
Classification: Likely pathogenic. Last evaluated: 2020-09-23. Review status: criteria provided, single submitter. Criteria: GeneDx Variant Classification Process June 2021. Collection method: clinical testing. Allele origin: germline. Affected: yes.
Comment: Canonical splice site variant predicted to result in an in-frame deletion of exon 5, which would disrupt the GRP94, FAZF, Hsp70 and RED binding sites (Gordon 2000); Not observed in large population cohorts (Lek 2016); Observed in individuals with advanced cancer (Schrader 2016); This variant is associated with the following publications: (PMID: 31300551, 27533158, 26556299)

Genomic Research Center, Shahid Beheshti University of Medical Sciences
Classification: Pathogenic for Fanconi anemia, complementation group C. Last evaluated: 2020-05-03. Review status: criteria provided, single submitter. Criteria: ACMG Guidelines, 2015. Collection method: clinical testing. Allele origin: unknown. Affected: yes.

Leiden Open Variation Database
Classification: Pathogenic. Last evaluated: 2020-02-28. Review status: no assertion criteria provided. Collection method: curation. Allele origin: germline. Affected: yes. Not counted in ClinVar's aggregate classification.
Comment: Curator: Arleen D. Auerbach. Submitter to LOVD: Florentia Fostira.

Natera, Inc.
Classification: Likely pathogenic for Fanconi anemia. Last evaluated: 2017-11-09. Review status: no assertion criteria provided. Collection method: clinical testing. Allele origin: germline. Not counted in ClinVar's aggregate classification.

Literature cited by the submitters: PubMed 26556299 (cited by Ambry Genetics); PubMed 31300551 (cited by 3 submitters); PubMed 16199547 (cited by Labcorp Genetics (formerly Invitae), Labcorp); PubMed 17924555 (cited by Labcorp Genetics (formerly Invitae), Labcorp).